The following is an entry in ClinVar:

ClinVar aggregate classification (germline): Pathogenic (1 of 4 stars; one submission).

Conditions:
Familial thoracic aortic aneurysm and aortic dissection (TAAD). Also called: Thoracic aortic aneurysms and dissections. Identifiers: Orphanet 91387, MedGen C4707243, MONDO:0019625.
Marfan syndrome (MFS). Also called: FBN1-Related Marfan Syndrome; Marfan syndrome type 1; Marfan's syndrome; Marfan syndrome, classic; MARFAN SYNDROME, TYPE I. Identifiers: Orphanet 284963, Orphanet 558, MedGen C0024796, MONDO:0007947, OMIM 154700.

Submission:

Labcorp Genetics (formerly Invitae), Labcorp
Classification: Pathogenic for Marfan syndrome; Familial thoracic aortic aneurysm and aortic dissection. Last evaluated: 2018-05-08. Review status: criteria provided, single submitter. Criteria: Invitae Variant Classification Sherloc (09022015). Collection method: clinical testing. Allele origin: germline.
Comment: Donor and acceptor splice site variants typically lead to a loss of protein function (PMID: 16199547), and loss-of-function variants in FBN1 are known to be pathogenic (PMID: 17657824, 19293843). Algorithms developed to predict the effect of sequence changes on RNA splicing suggest that this variant may disrupt the consensus splice site, but this prediction has not been confirmed by published transcriptional studies. This variant is not present in population databases (ExAC no frequency). This sequence change affects a donor splice site in intron 27 of the FBN1 gene. It is expected to disrupt RNA splicing and likely results in an absent or disrupted protein product. A different variant affecting this nucleotide (c.3337+1G>C) has been determined to be pathogenic (PMID: 16220557). This suggests that this nucleotide is important for normal RNA splicing, and that other variants at this position may also be pathogenic. For these reasons, this variant has been classified as Pathogenic.

Literature cited by the submitters: PubMed 16199547; PubMed 17657824; PubMed 19293843; PubMed 16220557.

NM_000138.5(FBN1):c.3337+1del

Gene: FBN1 (fibrillin 1; minus strand). Cytogenetic location: 15q21.1.
Variant type: Deletion.
Coding change: c.3337+1del on transcript NM_000138.5 (MANE Select); the canonical splice donor site of the intron after coding-DNA position 3337, one base deleted (G; older notation c.3337+1delG).
Molecular consequence: splice donor variant.
Genome position (GRCh38, 1-based): chr15:48,488,112, C deleted on the plus strand (G on the coding strand, the reverse complement: FBN1 is on the minus strand); the first of 3 consecutive C bases (chr15:48,488,112-48,488,114); deleting any one gives the same sequence. VCF-style (leftmost placement, unchanged base first): chr15-48488111-AC-A. GRCh37 (hg19) VCF-style: chr15-48780308-AC-A.
Other names: c.3337+1delG (NM_000138.4); c.3337+1del (NM_001406716.1).
Identifiers: ClinVar variation 574182 (VCV000574182.9), dbSNP rs1566909762, ClinGen allele CA891843841.